The following is an entry in ClinVar:

NM_000091.5(COL4A3):c.4130dup (p.Pro1378fs)

Genes: COL4A3 (collagen type IV alpha 3 chain; plus strand), MFF-DT (MFF divergent transcript; minus strand). Cytogenetic location: 2q36.3.
Variant type: Duplication.
Coding change: c.4130dup on transcript NM_000091.5 (MANE Select); coding-DNA position 4130, one base duplicated (C; older notation c.4130dupC).
Protein change: p.Pro1378fs; shifts the reading frame from proline 1378.
Molecular consequence: frameshift variant.
Genome position (GRCh38, 1-based): chr2:227,304,121, C duplicated; the last of 2 consecutive C bases (chr2:227,304,120-227,304,121); duplicating either gives the same sequence. VCF-style (leftmost placement, unchanged base first): chr2-227304119-G-GC. GRCh37 (hg19) VCF-style: chr2-228168835-G-GC.
Other names: short protein forms P1378fs.
Identifiers: ClinVar variation 1450878 (VCV001450878.6), dbSNP rs2106271092, ClinGen allele CA2573135476.

ClinVar aggregate classification (germline): Pathogenic (1 of 4 stars; one submission).

Submission:

Labcorp Genetics (formerly Invitae), Labcorp
Classification: Pathogenic. Last evaluated: 2021-01-19. Review status: criteria provided, single submitter. Criteria: Invitae Variant Classification Sherloc (09022015). Collection method: clinical testing. Allele origin: germline.
Comment: For these reasons, this variant has been classified as Pathogenic. This variant has not been reported in the literature in individuals with COL4A3-related conditions. This variant is not present in population databases (ExAC no frequency). This sequence change creates a premature translational stop signal (p.Pro1378Thrfs*15) in the COL4A3 gene. It is expected to result in an absent or disrupted protein product. Loss-of-function variants in COL4A3 are known to be pathogenic (PMID: 8956999, 24854265, 26809805, 27281700).

Literature cited by the submitters: PubMed 8956999; PubMed 24854265; PubMed 26809805; PubMed 27281700.